The following is an entry in ClinVar:

NM_001370.2(DNAH6):c.1417C>T (p.Arg473Ter)

Gene: DNAH6 (dynein axonemal heavy chain 6; plus strand). Cytogenetic location: 2p11.2.
Variant type: single nucleotide variant.
Coding change: c.1417C>T on transcript NM_001370.2 (MANE Select); coding-DNA position 1417, C replaced by T.
Protein change: p.Arg473Ter; replaces arginine 473 with a stop codon.
Molecular consequence: nonsense.
Genome position (GRCh38, 1-based): chr2:84,549,989, C>T. VCF-style: chr2-84549989-C-T. GRCh37 (hg19) VCF-style: chr2-84777113-C-T.
Other names: short protein forms R473*.
Identifiers: ClinVar variation 3766038 (VCV003766038.2).

ClinVar aggregate classification (germline): Conflicting classifications of pathogenicity. Review status: criteria provided, conflicting classifications (1 of 4 stars). 2 submissions from 2 submitters: Likely pathogenic (1); Uncertain significance (1). Last evaluated 2025-12-10.

Conditions:
DNAH6-related disorder. Also called: DNAH6-related condition.

gnomAD v4.1: 23 of 1,613,792 alleles (0.0014%); highest among the groups gnomAD compares: African/African-American, 0.0027%; no homozygotes.

Submissions (2):

PreventionGenetics, part of Exact Sciences
Classification: Likely pathogenic for DNAH6-related condition. Last evaluated: 2025-12-10. Review status: criteria provided, single submitter. Criteria: ACMG Guidelines, 2015. Collection method: clinical testing. Allele origin: germline.
Comment: The DNAH6 c.1417C>T variant is predicted to result in premature protein termination (p.Arg473*). This variant was reported in the de novo state in an individual with primary complex motor stereotypies (Fernandez et al. 2023. PubMed ID: 37788244). This variant is reported in 0.0040% of alleles in individuals of African descent in gnomAD. Nonsense variants in DNAH6 are expected to be pathogenic. This variant is interpreted as likely pathogenic.

GeneDx
Classification: Uncertain significance. Last evaluated: 2024-09-01. Review status: criteria provided, single submitter. Criteria: GeneDx Variant Classification Process June 2021. Collection method: clinical testing. Allele origin: germline. Affected: yes.
Comment: De novo variant with confirmed parentage in a patient with primary complex motor stereotypies in published literature, but additional clinical information was not included (PMID: 37788244); Nonsense variant predicted to result in protein truncation or nonsense mediated decay in a gene or region of a gene for which loss of function is not a well-established mechanism of disease; This variant is associated with the following publications: (PMID: 37788244)